The following is an entry in ClinVar:

ClinVar aggregate classification (germline): Uncertain significance (1 of 4 stars; one submission).

Conditions:
Familial adenomatous polyposis 1 (FAP1). Also called: FAMILIAL ADENOMATOUS POLYPOSIS 1, ATTENUATED; POLYPOSIS, ADENOMATOUS INTESTINAL. Identifiers: MedGen C2713442, MONDO:0021056, OMIM 175100. Disease mechanism: loss of function.

Submission:

Labcorp Genetics (formerly Invitae), Labcorp
Classification: Uncertain significance for Familial adenomatous polyposis 1. Last evaluated: 2024-12-25. Review status: criteria provided, single submitter. Criteria: Invitae Variant Classification Sherloc (09022015). Collection method: clinical testing. Allele origin: germline.
Comment: This sequence change replaces glutamic acid, which is acidic and polar, with aspartic acid, which is acidic and polar, at codon 1550 of the APC protein (p.Glu1550Asp). This variant is not present in population databases (gnomAD no frequency). This variant has not been reported in the literature in individuals affected with APC-related conditions. ClinVar contains an entry for this variant (Variation ID: 236602). Invitae Evidence Modeling of protein sequence and biophysical properties (such as structural, functional, and spatial information, amino acid conservation, physicochemical variation, residue mobility, and thermodynamic stability) indicates that this missense variant is not expected to disrupt APC protein function with a negative predictive value of 95%. In summary, the available evidence is currently insufficient to determine the role of this variant in disease. Therefore, it has been classified as a Variant of Uncertain Significance.

NM_000038.6(APC):c.4650G>T (p.Glu1550Asp)

Gene: APC (APC regulator of Wnt signaling pathway; plus strand). Cytogenetic location: 5q22.2.
Variant type: single nucleotide variant.
Coding change: c.4650G>T on transcript NM_000038.6 (MANE Select); coding-DNA position 4650, G replaced by T.
Protein change: p.Glu1550Asp; replaces glutamic acid 1550 with aspartic acid.
Molecular consequence: missense variant.
Genome position (GRCh38, 1-based): chr5:112,840,244, G>T. VCF-style: chr5-112840244-G-T. GRCh37 (hg19) VCF-style: chr5-112175941-G-T.
Other names: c.4650G>T, p.Glu1550Asp (NM_001127510.3, NM_001354895.2); c.4596G>T, p.Glu1532Asp (NM_001127511.3); c.4704G>T, p.Glu1568Asp (NM_001354896.2); c.4680G>T, p.Glu1560Asp (NM_001354897.2); c.4575G>T, p.Glu1525Asp (NM_001354898.2); c.4566G>T, p.Glu1522Asp (NM_001354899.2); c.4527G>T, p.Glu1509Asp (NM_001354900.2); c.4473G>T, p.Glu1491Asp (NM_001354901.2); and 5 more; short protein forms E1532D, E1550D, E1390D, E1449D, E1509D, E1522D, E1525D, E1560D.
Identifiers: ClinVar variation 236602 (VCV000236602.12), dbSNP rs878853447, ClinGen allele CA10582315.